The following is an entry in ClinVar:

ClinVar aggregate classification (germline): Uncertain significance (1 of 4 stars; one submission).

Submission:

GeneDx
Classification: Uncertain significance. Last evaluated: 2025-09-01. Review status: criteria provided, single submitter. Criteria: GeneDx Variant Classification Process June 2021. Collection method: clinical testing. Allele origin: germline. Affected: yes.
Comment: Not observed at significant frequency in large population cohorts (gnomAD); In silico analysis supports that this missense variant has a deleterious effect on protein structure/function; Has not been previously published as pathogenic or benign to our knowledge

NM_021224.6(ZNF462):c.5745T>G (p.Asn1915Lys)

Gene: ZNF462 (zinc finger protein 462; plus strand). Cytogenetic location: 9q31.2.
Variant type: single nucleotide variant.
Coding change: c.5745T>G on transcript NM_021224.6 (MANE Select); coding-DNA position 5745, T replaced by G.
Protein change: p.Asn1915Lys; replaces asparagine 1915 with lysine.
Molecular consequence: missense variant. On other transcripts: intron variant (1).
Genome position (GRCh38, 1-based): chr9:106,929,657, T>G. VCF-style: chr9-106929657-T-G. GRCh37 (hg19) VCF-style: chr9-109691938-T-G.
Other names: c.3253-868T>G (NM_001347997.2); short protein forms N1915K.
Identifiers: ClinVar variation 1199709 (VCV001199709.5), dbSNP rs2131518341, ClinGen allele CA374417573.